The following is an entry in ClinVar:

ClinVar aggregate classification (germline): Pathogenic (1 of 4 stars; one submission).

Submission:

Labcorp Genetics (formerly Invitae), Labcorp
Classification: Pathogenic. Last evaluated: 2026-01-12. Review status: criteria provided, single submitter. Criteria: Invitae Variant Classification Sherloc (09022015). Collection method: clinical testing. Allele origin: germline.
Comment: This sequence change creates a premature translational stop signal (p.Glu664Asnfs*3) in the NBAS gene. It is expected to result in an absent or disrupted protein product. Loss-of-function variants in NBAS are known to be pathogenic (PMID: 26073778, 26541327, 27789416, 28031453). This variant is not present in population databases (gnomAD no frequency). This variant has not been reported in the literature in individuals affected with NBAS-related conditions. For these reasons, this variant has been classified as Pathogenic.

Literature cited by the submitters: PubMed 26073778; PubMed 26541327; PubMed 27789416; PubMed 28031453.

NM_015909.4(NBAS):c.1990del (p.Glu664fs)

Gene: NBAS (NBAS subunit of NRZ tethering complex; minus strand). Cytogenetic location: 2p24.3.
Variant type: Deletion.
Coding change: c.1990del on transcript NM_015909.4 (MANE Select); coding-DNA position 1990, one base deleted (G; older notation c.1990delG).
Protein change: p.Glu664fs; shifts the reading frame from glutamic acid 664.
Molecular consequence: frameshift variant. On other transcripts: non-coding transcript variant (1).
Genome position (GRCh38, 1-based): chr2:15,467,692, C deleted on the plus strand (G on the coding strand, the reverse complement: NBAS is on the minus strand). VCF-style (leftmost placement, unchanged base first): chr2-15467691-TC-T. GRCh37 (hg19) VCF-style: chr2-15607815-TC-T.
Other names: short protein forms E664fs.
Identifiers: ClinVar variation 4777906 (VCV004777906.1).